The following is an entry in ClinVar:

ClinVar aggregate classification (germline): Pathogenic (1 of 4 stars; one submission).

Conditions:
Immunodeficiency 51 (IMD51). Also called: CANDIDIASIS, FAMILIAL, 5. Identifiers: Orphanet 1334, MedGen C4310803, MONDO:0013500, OMIM 613953.

Submission:

Labcorp Genetics (formerly Invitae), Labcorp
Classification: Pathogenic for Immunodeficiency 51. Last evaluated: 2021-04-11. Review status: criteria provided, single submitter. Criteria: Invitae Variant Classification Sherloc (09022015). Collection method: clinical testing. Allele origin: germline.
Comment: For these reasons, this variant has been classified as Pathogenic. This variant has not been reported in the literature in individuals with IL17RA-related conditions. This variant is not present in population databases (ExAC no frequency). This sequence change creates a premature translational stop signal (p.Ser72Leufs*52) in the IL17RA gene. It is expected to result in an absent or disrupted protein product. Loss-of-function variants in IL17RA are known to be pathogenic (PMID: 27930337).

Literature cited by the submitters: PubMed 27930337.

NM_014339.7(IL17RA):c.213dup (p.Ser72fs)

Gene: IL17RA (interleukin 17 receptor A; plus strand). Cytogenetic location: 22q11.1.
Variant type: Duplication.
Coding change: c.213dup on transcript NM_014339.7 (MANE Select); coding-DNA position 213, one base duplicated (C; older notation c.213dupC).
Protein change: p.Ser72fs; shifts the reading frame from serine 72.
Molecular consequence: frameshift variant.
Genome position (GRCh38, 1-based): chr22:17,097,846, C duplicated; the last of 2 consecutive C bases (chr22:17,097,845-17,097,846); duplicating either gives the same sequence. VCF-style (leftmost placement, unchanged base first): chr22-17097844-T-TC. GRCh37 (hg19) VCF-style: chr22-17578734-T-TC.
Other names: c.213dup, p.Ser72fs (NM_001289905.2); short protein forms S72fs.
Identifiers: ClinVar variation 1375868 (VCV001375868.6), dbSNP rs2123798029, ClinGen allele CA2573157538.